The following is an entry in ClinVar:

ClinVar aggregate classification (germline): Pathogenic (1 of 4 stars; one submission).

Conditions:
Ellis-van Creveld syndrome (EVC). Also called: MESOECTODERMAL DYSPLASIA; EVC-Related Ellis-van Creveld Syndrome; EVC2-Related Ellis-van Creveld Syndrome; Chondroectodermal dysplasia. Identifiers: Orphanet 289, MedGen C0013903, MONDO:0009162, OMIM 225500.

Submission:

Daryl Scott Lab, Baylor College of Medicine
Classification: Pathogenic for Ellis-van Creveld syndrome. Last evaluated: 2024-04-01. Review status: criteria provided, single submitter. Criteria: ACMG Guidelines, 2015. Collection method: clinical testing. Allele origin: maternal. Observed: 1 heterozygote.
Comment: PVS1, PM2

NM_153717.3(EVC):c.2443del (p.Leu815fs)

Gene: EVC (EvC ciliary complex subunit 1; plus strand). Cytogenetic location: 4p16.2.
Variant type: Deletion.
Coding change: c.2443del on transcript NM_153717.3 (MANE Select); coding-DNA position 2443, one base deleted (C; older notation c.2443delC).
Protein change: p.Leu815fs; shifts the reading frame from leucine 815.
Molecular consequence: frameshift variant.
Genome position (GRCh38, 1-based): chr4:5,802,088, C deleted; the last of 3 consecutive C bases (chr4:5,802,086-5,802,088); deleting any one gives the same sequence. VCF-style (leftmost placement, unchanged base first): chr4-5802085-AC-A. GRCh37 (hg19) VCF-style: chr4-5803812-AC-A.
Other names: c.2443del, p.Leu815fs (NM_001306090.2); c.2443delC (NM_153717.3); short protein forms L815fs.
Identifiers: ClinVar variation 3778763 (VCV003778763.1).
Genomic context (GRCh38, chr4:5,802,085, plus strand): 5'-TACCAGCAAATCGGAAGGATCATGGAGGACCACGAGGAGAGAAAACTGCAGCACCTGAAG[AC>A]CCTGCAGGGTACGGGACCCCCCCTCAGGGAAGCCCCAGAAGAGACTGGCAATGTGTGCTT-3'